The following is an entry in ClinVar:

ClinVar aggregate classification (germline): Uncertain significance (1 of 4 stars; one submission).

Conditions:
Glycine encephalopathy. Also called: Nonketotic hyperglycinemia; Non-ketotic hyperglycinemia. Identifiers: Orphanet 407, MedGen C0751748, MONDO:0011612, HP:0008288.

Submission:

Labcorp Genetics (formerly Invitae), Labcorp
Classification: Uncertain significance for Glycine encephalopathy. Last evaluated: 2022-10-13. Review status: criteria provided, single submitter. Criteria: Invitae Variant Classification Sherloc (09022015). Collection method: clinical testing. Allele origin: germline.
Comment: This sequence change replaces proline, which is neutral and non-polar, with alanine, which is neutral and non-polar, at codon 740 of the GLDC protein (p.Pro740Ala). This variant is not present in population databases (gnomAD no frequency). This variant has not been reported in the literature in individuals affected with GLDC-related conditions. Advanced modeling of protein sequence and biophysical properties (such as structural, functional, and spatial information, amino acid conservation, physicochemical variation, residue mobility, and thermodynamic stability) has been performed at Invitae for this missense variant, however the output from this modeling did not meet the statistical confidence thresholds required to predict the impact of this variant on GLDC protein function. In summary, the available evidence is currently insufficient to determine the role of this variant in disease. Therefore, it has been classified as a Variant of Uncertain Significance.

NM_000170.3(GLDC):c.2218C>G (p.Pro740Ala)

Gene: GLDC (glycine decarboxylase; minus strand). Cytogenetic location: 9p24.1.
Variant type: single nucleotide variant.
Coding change: c.2218C>G on transcript NM_000170.3 (MANE Select); coding-DNA position 2218, C replaced by G.
Protein change: p.Pro740Ala; replaces proline 740 with alanine.
Molecular consequence: missense variant.
Genome position (GRCh38, 1-based): chr9:6,554,766, G>C on the plus strand (C>G on the coding strand, the complement: GLDC is on the minus strand). VCF-style: chr9-6554766-G-C. GRCh37 (hg19) VCF-style: chr9-6554766-G-C.
Other names: short protein forms P740A.
Identifiers: ClinVar variation 2097490 (VCV002097490.4), dbSNP rs1255984461, ClinGen allele CA372880397.